The following is an entry in ClinVar:

NM_000130.5(F5):c.1673A>G (p.Tyr558Cys)

Gene: F5 (coagulation factor V; minus strand). Cytogenetic location: 1q24.2.
Variant type: single nucleotide variant.
Coding change: c.1673A>G on transcript NM_000130.5 (MANE Select); coding-DNA position 1673, A replaced by G.
Protein change: p.Tyr558Cys; replaces tyrosine 558 with cysteine.
Molecular consequence: missense variant.
Genome position (GRCh38, 1-based): chr1:169,546,531, T>C on the plus strand (A>G on the coding strand, the complement: F5 is on the minus strand). VCF-style: chr1-169546531-T-C. GRCh37 (hg19) VCF-style: chr1-169515769-T-C.
Other names: short protein forms Y558C.
Identifiers: ClinVar variation 1803213 (VCV001803213.1), dbSNP rs780922091, ClinGen allele CA343123938.

ClinVar aggregate classification (germline): Likely pathogenic (1 of 4 stars; one submission).

Conditions:
Factor V deficiency. Also called: Reduced coagulation factor V activity. Identifiers: Orphanet 326, MedGen C4317320, MONDO:0020586, HP:0003225.

Allele frequency attached by ClinVar (database versions not stated): gnomAD exomes below 0.00001.
gnomAD v4.1: 2 of 1,614,178 alleles (0.00012%); highest among the groups gnomAD compares: East Asian, 0.0045%; no homozygotes.

Submission:

Genetics and Molecular Pathology, SA Pathology
Classification: Likely pathogenic for Congenital factor V deficiency. Last evaluated: 2021-09-01. Review status: criteria provided, single submitter. Criteria: ACMG Guidelines, 2015. Collection method: clinical testing. Allele origin: germline. Inheritance: Autosomal recessive inheritance. Affected: yes.
Comment: PM2, PP3, PM5,PP4